The following is an entry in ClinVar:

NM_020338.4(ZMIZ1):c.1893C>T (p.Ser631=)

Gene: ZMIZ1 (zinc finger MIZ-type containing 1; plus strand). Cytogenetic location: 10q22.3.
Variant type: single nucleotide variant.
Coding change: c.1893C>T on transcript NM_020338.4 (MANE Select); coding-DNA position 1893, C replaced by T.
Protein change: p.Ser631=; no amino-acid change (serine 631 retained).
Molecular consequence: synonymous variant.
Genome position (GRCh38, 1-based): chr10:79,300,816, C>T. VCF-style: chr10-79300816-C-T. GRCh37 (hg19) VCF-style: chr10-81060573-C-T.
Identifiers: ClinVar variation 2728978 (VCV002728978.3), dbSNP rs201091506, ClinGen allele CA5572841.
Genomic context (GRCh38, chr10:79,300,816, plus strand): 5'-GTGCTACCACCACGAGGACCGGCAGATGAACACCAACTGGCCCGCCTCGGTGCAGGTCAG[C>T]GTGAACGCCACGCCCCTCACCATTGAGCGCGGCGACAACAAGACCTCCCACAAGCCCCTG-3'
Protein context (NP_065071.1, residues 621-641): NTNWPASVQV[Ser631=]VNATPLTIER

ClinVar aggregate classification (germline): Uncertain significance (1 of 4 stars; one submission).

Allele frequency attached by ClinVar (database versions not stated): ExAC 0.00002; gnomAD 0.00001; gnomAD exomes 0.00002; TOPMed 0.00003.
gnomAD v4.1: 28 of 1,613,764 alleles (0.0017%); highest among the groups gnomAD compares: Admixed American, 0.01%; no homozygotes.

Submission:

Labcorp Genetics (formerly Invitae), Labcorp
Classification: Uncertain significance. Last evaluated: 2025-06-03. Review status: criteria provided, single submitter. Criteria: Invitae Variant Classification Sherloc (09022015). Collection method: clinical testing. Allele origin: germline.
Comment: This sequence change affects codon 631 of the ZMIZ1 mRNA. It is a 'silent' change, meaning that it does not change the encoded amino acid sequence of the ZMIZ1 protein. This variant is present in population databases (rs201091506, gnomAD 0.01%). This variant has not been reported in the literature in individuals affected with ZMIZ1-related conditions. ClinVar contains an entry for this variant (Variation ID: 2728978). Algorithms developed to predict the effect of sequence changes on RNA splicing suggest that this variant may create or strengthen a splice site. In summary, the available evidence is currently insufficient to determine the role of this variant in disease. Therefore, it has been classified as a Variant of Uncertain Significance.